The following is an entry in ClinVar:

NM_017635.5(KMT5B):c.2422_2425del (p.Leu808fs)

Gene: KMT5B (lysine methyltransferase 5B; minus strand). Cytogenetic location: 11q13.2.
Variant type: Microsatellite.
Coding change: c.2422_2425del on transcript NM_017635.5 (MANE Select); coding-DNA positions 2422 to 2425, 4 bases deleted (CTCT; older notation c.2422_2425delCTCT).
Protein change: p.Leu808fs; shifts the reading frame from leucine 808.
Molecular consequence: frameshift variant.
Genome position (GRCh38, 1-based): chr11:68,157,921-68,157,924, AGAG deleted on the plus strand (CTCT on the coding strand, the reverse complement: KMT5B is on the minus strand); deleting any 4 consecutive bases within chr11:68,157,921-68,157,927 gives the same sequence; the c. name uses the placement nearest the transcript's 3' end. VCF-style (leftmost placement, unchanged base first): chr11-68157920-AAGAG-A. GRCh37 (hg19) VCF-style: chr11-67925387-AAGAG-A.
Other names: c.2422_2425delCTCT (NM_017635.3); c.2422_2425del (NM_017635.3); c.1906_1909del, p.Leu636fs (NM_001300907.1, NM_001369428.1, NM_001369429.1 and 4 more transcripts); c.1702_1705del, p.Leu568fs (NM_001300908.2); c.2422_2425del, p.Leu808fs (NM_001369426.1); short protein forms L568fs, L636fs, L808fs.
Identifiers: ClinVar variation 1203846 (VCV001203846.5), dbSNP rs2153039957, ClinGen allele CA2580615742.

ClinVar aggregate classification (germline): Pathogenic/Likely pathogenic. Review status: criteria provided, multiple submitters, no conflicts (2 of 4 stars). 2 submissions from 2 submitters: Pathogenic (1); Likely pathogenic (1). Last evaluated 2024-08-09.

Conditions:
Intellectual developmental disorder, autosomal dominant 51. Also called: MENTAL RETARDATION, AUTOSOMAL DOMINANT 51; Intellectual disability, autosomal dominant 51. Identifiers: Orphanet 684226, MedGen C4540474, MONDO:0030917, OMIM 617788.

Submissions (2):

GeneDx
Classification: Pathogenic. Last evaluated: 2024-08-09. Review status: criteria provided, single submitter. Criteria: GeneDx Variant Classification Process June 2021. Collection method: clinical testing. Allele origin: germline. Affected: yes.
Comment: Frameshift variant in the C-terminus predicted to result in protein truncation, as the last 78 amino acids are lost and replaced with 49 incorrect amino acids; Not observed at significant frequency in large population cohorts (gnomAD); This variant is associated with the following publications: (PMID: 35904121, 34217350)

Institute of Human Genetics, University Hospital of Duesseldorf
Classification: Likely pathogenic for Intellectual developmental disorder, autosomal dominant 51. Review status: criteria provided, single submitter. Criteria: ACMG Guidelines, 2015. Collection method: not provided. Allele origin: germline. Inheritance: Autosomal dominant inheritance. Affected: yes.